The following is an entry in ClinVar:

ClinVar aggregate classification (germline): Uncertain significance (1 of 4 stars; one submission).

Conditions:
Inborn genetic diseases. Identifiers: MedGen C0950123, MeSH D030342.

Allele frequency attached by ClinVar (database versions not stated): gnomAD exomes below 0.00001; TOPMed 0.00001; ExAC 0.00002; gnomAD 0.00002; ESP Exome Variant Server 0.00008.
gnomAD v4.1: 4 of 1,613,990 alleles (0.00025%); highest among the groups gnomAD compares: African/African-American, 0.0053%; no homozygotes.

Submission:

Ambry Genetics
Classification: Uncertain significance for Inborn genetic diseases. Last evaluated: 2024-08-22. Review status: criteria provided, single submitter. Criteria: Ambry Variant Classification Scheme 2023. Collection method: clinical testing. Allele origin: germline.
Comment: The p.R2142K variant (also known as c.6425G>A), located in coding exon 44 of the LRRK2 gene, results from a G to A substitution at nucleotide position 6425. The arginine at codon 2142 is replaced by lysine, an amino acid with highly similar properties. This amino acid position is conserved. In addition, this alteration is predicted to be tolerated by in silico analysis. Since supporting evidence is limited at this time, the clinical significance of this alteration remains unclear.

NM_198578.4(LRRK2):c.6425G>A (p.Arg2142Lys)

Gene: LRRK2 (leucine rich repeat kinase 2; plus strand). Cytogenetic location: 12q12.
Variant type: single nucleotide variant.
Coding change: c.6425G>A on transcript NM_198578.4 (MANE Select); coding-DNA position 6425, G replaced by A.
Protein change: p.Arg2142Lys; replaces arginine 2142 with lysine.
Molecular consequence: missense variant.
Genome position (GRCh38, 1-based): chr12:40,351,582, G>A. VCF-style: chr12-40351582-G-A. GRCh37 (hg19) VCF-style: chr12-40745384-G-A.
Other names: short protein forms R2142K.
Identifiers: ClinVar variation 1753452 (VCV001753452.3), dbSNP rs371284884, ClinGen allele CA6514687.